The following is an entry in ClinVar:

ClinVar aggregate classification (germline): Uncertain significance (1 of 4 stars; one submission).

gnomAD v4.1: 6 of 1,614,174 alleles (0.00037%); highest among the groups gnomAD compares: Admixed American, 0.0017%; no homozygotes.

Submission:

GeneDx
Classification: Uncertain significance. Last evaluated: 2024-07-25. Review status: criteria provided, single submitter. Criteria: GeneDx Variant Classification Process June 2021. Collection method: clinical testing. Allele origin: germline. Affected: yes.
Comment: Not observed at significant frequency in large population cohorts (gnomAD); In silico analysis indicates that this missense variant does not alter protein structure/function; Has not been previously published as pathogenic or benign to our knowledge

NM_001352027.3(PHF21A):c.1903G>A (p.Val635Ile)

Gene: PHF21A (PHD finger protein 21A; minus strand). Cytogenetic location: 11p11.2.
Variant type: single nucleotide variant.
Coding change: c.1903G>A on transcript NM_001352027.3 (MANE Select); coding-DNA position 1903, G replaced by A.
Protein change: p.Val635Ile; replaces valine 635 with isoleucine.
Molecular consequence: missense variant. On other transcripts: non-coding transcript variant (2).
Genome position (GRCh38, 1-based): chr11:45,934,111, C>T on the plus strand (G>A on the coding strand, the complement: PHF21A is on the minus strand). VCF-style: chr11-45934111-C-T. GRCh37 (hg19) VCF-style: chr11-45955662-C-T.
Other names: c.1900G>A, p.Val634Ile (NM_001101802.3); c.1903G>A, p.Val635Ile (NM_001352025.3, NM_001352026.3); c.1762G>A, p.Val588Ile (NM_001352028.1, NM_001352029.1, NM_016621.5); c.1759G>A, p.Val587Ile (NM_001352030.3, NM_001352031.3, NM_001352032.3); short protein forms V587I, V588I, V634I, V635I.
Identifiers: ClinVar variation 3600961 (VCV003600961.1).